The following is an entry in ClinVar:

NM_139276.3(STAT3):c.645+16G>A

Gene: STAT3 (signal transducer and activator of transcription 3; minus strand). Cytogenetic location: 17q21.2.
Variant type: single nucleotide variant.
Coding change: c.645+16G>A on transcript NM_139276.3 (MANE Select); 16 bases into the intron after coding-DNA position 645, G replaced by A.
Molecular consequence: intron variant.
Genome position (GRCh38, 1-based): chr17:42,337,747, C>T on the plus strand (G>A on the coding strand, the complement: STAT3 is on the minus strand). VCF-style: chr17-42337747-C-T. GRCh37 (hg19) VCF-style: chr17-40489765-C-T.
Other names: c.549+16G>A (NM_001384989.1); c.645+16G>A (NM_001384992.1, NM_001384984.1, NM_001369519.1 and 15 more transcripts); c.567+16G>A (NM_001384985.1).
Identifiers: ClinVar variation 1517471 (VCV001517471.9), dbSNP rs548066920, ClinGen allele CA8575587.

ClinVar aggregate classification (germline): Conflicting classifications of pathogenicity. Review status: criteria provided, conflicting classifications (1 of 4 stars). 2 submissions from 2 submitters: Uncertain significance (1); Likely benign (1). Last evaluated 2026-03-13.

Conditions:
Hyper-IgE recurrent infection syndrome 1, autosomal dominant. Also called: STAT3 Hyper IgE Syndrome; HYPER-IgE SYNDROME 1, AUTOSOMAL DOMINANT, WITH RECURRENT INFECTIONS; Hyper-IgE recurrent infection syndrome 1; JOB SYNDROME; Job's Syndrome. Identifiers: Orphanet 2314, MedGen C2936739, MONDO:0007818, OMIM 147060.
STAT3 gain of function. Identifiers: MedGen C4288261.

Allele frequency attached by ClinVar (database versions not stated): gnomAD exomes 0.00004 and 0.00001; ExAC 0.00005; 1000 Genomes Project 30x 0.00016; 1000 Genomes Project 0.00020; gnomAD 0.00001 and 0.00002; TOPMed 0.00003.
gnomAD v4.1: 35 of 1,614,052 alleles (0.0022%); highest among the groups gnomAD compares: East Asian, 0.025%; no homozygotes.

Submissions (2):

Centre for Medical Genetics,  Mumbai
Classification: Likely benign for Hyper-IgE recurrent infection syndrome 1, autosomal dominant. Last evaluated: 2026-03-13. Review status: criteria provided, single submitter. Criteria: ACMG Guidelines, 2015. Collection method: provider interpretation. Allele origin: germline. Inheritance: Autosomal dominant inheritance. Affected: no. Observed: 1 variant allele, 1 heterozygote.
Comment: The variant satisfies PM2 criteria; Extremely low frequency in gnomAD population databases. However, the variant satisfies BS2 criteria.

Labcorp Genetics (formerly Invitae), Labcorp
Classification: Uncertain significance for STAT3 gain of function; Hyper-IgE recurrent infection syndrome 1, autosomal dominant. Last evaluated: 2025-09-10. Review status: criteria provided, single submitter. Criteria: Invitae Variant Classification Sherloc (09022015). Collection method: clinical testing. Allele origin: germline.
Comment: This sequence change falls in intron 7 of the STAT3 gene. It does not directly change the encoded amino acid sequence of the STAT3 protein. This variant is present in population databases (rs548066920, gnomAD 0.02%). This variant has not been reported in the literature in individuals affected with STAT3-related conditions. ClinVar contains an entry for this variant (Variation ID: 1517471). Algorithms developed to predict the effect of sequence changes on RNA splicing suggest that this variant may create or strengthen a splice site. In summary, the available evidence is currently insufficient to determine the role of this variant in disease. Therefore, it has been classified as a Variant of Uncertain Significance.

Literature cited by the submitters: PubMed 17676033 (cited by Centre for Medical Genetics,  Mumbai).